The following is an entry in ClinVar:

ClinVar aggregate classification (germline): Pathogenic (0 of 4 stars; one submission).

Submission:

Quest Diagnostics Nichols Institute San Juan Capistrano
Classification: Pathogenic. Last evaluated: 2021-02-01. Review status: no assertion criteria provided. Collection method: clinical testing. Allele origin: germline.
Comment: This copy number loss is expected to cause phenotypic and/or developmental abnormalities. It involves multiple genes including HNF1B (aka: TCF2; 189907). Deletions or mutations in HNF1B can cause renal cysts and diabetes (RCAD) syndrome (#137920) and/or noninsulin-dependent diabetes mellitus (NIDDM; #125853). Further, deletions at this locus are associated with the 17q12 contiguous deletion syndrome (#61457; Moreno-De-Luca et al, Am J Hum Genet. 2010;87(5):618-30. PMID: 21055719), which is characterized by variable combinations of the three following findings: structural or functional abnormalities of the kidney and urinary tract, maturity-onset diabetes of the young type 5 (MODY5), and in approximately 50% of individuals, neurodevelopmental or neuropsychiatric disorders, such as global developmental delay, intellectual disability, autism spectrum disorder, schizophrenia, anxiety, and bipolar disorder (Gene Reviews: PubMed 27929632). Other issues, including congenital diaphragmatic hernias have been reported with the 17q12 microdeletion syndrome (Rasmussen M, et al. Am J Med Genet Part A, 2016 Nov;170(11):2934-2942 PMID: 27409573; Goumy et al. Am J Med Genet A. 2015 Jan;167A(1):250-3. PMID: 25425496; Hendrix et al. Fetal Diagn Ther. 2012;31(2):129-33. PMID: 22178801).

GRCh37/hg19 17q12(chr17:34477385-36404555)x1

Genes: AATF (apoptosis antagonizing transcription factor; plus strand), ACACA (acetyl-CoA carboxylase alpha; minus strand), C17orf78 (chromosome 17 open reading frame 78; plus strand), CCL3L1 (C-C motif chemokine ligand 3 like 1; minus strand), CCL3L3 (C-C motif chemokine ligand 3 like 3; minus strand) and 19 more. Cytogenetic location: 17q12.
Variant type: copy number loss.
Change: copy number 1 (one copy instead of two) of chr17:34,477,385-36,404,555 (1.93 Mb, GRCh37 coordinates, 1-based), cytogenetic band 17q12.
Identifiers: ClinVar variation 564434 (VCV000564434.4).